The following is an entry in ClinVar:

ClinVar aggregate classification (germline): Likely benign (1 of 4 stars; one submission).

Allele frequency attached by ClinVar (database versions not stated): ESP Exome Variant Server 0.00015; gnomAD 0.00015; ExAC 0.00017; TOPMed 0.00020.
gnomAD v4.1: 327 of 1,614,032 alleles (0.02%); highest among the groups gnomAD compares: Middle Eastern, 0.049%; 1 homozygote.

Submission:

CeGaT Center for Human Genetics Tuebingen
Classification: Likely benign. Last evaluated: 2022-11-01. Review status: criteria provided, single submitter. Criteria: CeGaT Center For Human Genetics Tuebingen Variant Classification Criteria Version 2. Collection method: clinical testing. Allele origin: germline. Affected: yes. Observed: 1 variant allele.
Comment: SLC6A13: BP4, BP7

NM_016615.5(SLC6A13):c.1149C>T (p.Val383=)

Gene: SLC6A13 (solute carrier family 6 member 13; minus strand). Cytogenetic location: 12p13.33.
Variant type: single nucleotide variant.
Coding change: c.1149C>T on transcript NM_016615.5 (MANE Select); coding-DNA position 1149, C replaced by T.
Protein change: p.Val383=; no amino-acid change (valine 383 retained).
Molecular consequence: synonymous variant.
Genome position (GRCh38, 1-based): chr12:224,425, G>A on the plus strand (C>T on the coding strand, the complement: SLC6A13 is on the minus strand). VCF-style: chr12-224425-G-A. GRCh37 (hg19) VCF-style: chr12-333591-G-A.
Other names: c.873C>T, p.Val291= (NM_001190997.3).
Identifiers: ClinVar variation 2642561 (VCV002642561.24), dbSNP rs145951312, ClinGen allele CA6377974.
Genomic context (GRCh38, chr12:224,425, plus strand): 5'-TCATCTCTCAGCCTCTGAGTGGCTGCCTCTTGATACCTGGCTATCCAGTCCCAGGAGAAC[G>A]ACCATGAAGAAGAAACAGCAGGCCCAGAGAGGAGAGAAGGGCAGCATCACCACAGCCCGC-3'
Protein context (NP_057699.2, residues 373-393): PLWACCFFFM[Val383=]VLLGLDSQFV